The following is an entry in ClinVar:

ClinVar aggregate classification (germline): Uncertain significance. Review status: criteria provided, multiple submitters, no conflicts (2 of 4 stars). 3 submissions from 3 submitters: Uncertain significance (3). Last evaluated 2025-11-13.

Conditions:
Inborn genetic diseases. Identifiers: MedGen C0950123, MeSH D030342.

gnomAD v4.1: 1 of 1,614,106 alleles (0.000062%); highest among the groups gnomAD compares: Admixed American, 0.0017%; no homozygotes.

Submissions (3):

Ambry Genetics
Classification: Uncertain significance for Inborn genetic diseases. Last evaluated: 2025-11-13. Review status: criteria provided, single submitter. Criteria: Ambry Variant Classification Scheme 2023. Collection method: clinical testing. Allele origin: germline.

Labcorp Genetics (formerly Invitae), Labcorp
Classification: Uncertain significance. Last evaluated: 2022-10-27. Review status: criteria provided, single submitter. Criteria: Invitae Variant Classification Sherloc (09022015). Collection method: clinical testing. Allele origin: germline.
Comment: This variant is present in population databases (no rsID available, gnomAD 0.003%). This sequence change replaces glutamic acid, which is acidic and polar, with lysine, which is basic and polar, at codon 1750 of the RP1 protein (p.Glu1750Lys). This variant has not been reported in the literature in individuals affected with RP1-related conditions. In summary, the available evidence is currently insufficient to determine the role of this variant in disease. Therefore, it has been classified as a Variant of Uncertain Significance. Algorithms developed to predict the effect of missense changes on protein structure and function are either unavailable or do not agree on the potential impact of this missense change (SIFT: "Deleterious"; PolyPhen-2: "Benign"; Align-GVGD: "Class C0").

Blueprint Genetics
Classification: Uncertain significance. Last evaluated: 2019-09-04. Review status: criteria provided, single submitter. Criteria: ACMG Guidelines, 2015. Collection method: clinical testing. Allele origin: germline.

NM_006269.2(RP1):c.5248G>A (p.Glu1750Lys)

Genes: RP1 (RP1 axonemal microtubule associated; plus strand), LOC126860392 (CDK7 strongly-dependent group 2 enhancer GRCh37_chr8:55541319-55542518; plus strand). Cytogenetic location: 8q12.1.
Variant type: single nucleotide variant.
Coding change: c.5248G>A on transcript NM_006269.2 (MANE Select); coding-DNA position 5248, G replaced by A.
Protein change: p.Glu1750Lys; replaces glutamic acid 1750 with lysine.
Molecular consequence: missense variant. On other transcripts: intron variant (1).
Genome position (GRCh38, 1-based): chr8:54,629,130, G>A. VCF-style: chr8-54629130-G-A. GRCh37 (hg19) VCF-style: chr8-55541690-G-A.
Other names: c.787+6842G>A (NM_001375654.1); c.5248G>A (NM_006269.1); short protein forms E1750K.
Identifiers: ClinVar variation 2955377 (VCV002955377.5), dbSNP rs1444271998, ClinGen allele CA370985281.
Genomic context (GRCh38, chr8:54,629,130, plus strand): 5'-AGAATCCTCACAGACATAGAGGAAGGAGTACTGATTGACAAAGGCAAATGGCTTCTGAAA[G>A]AAAATCATTTGCTAAGGATGTCATCTGAAAATCCTGGCATGTGTGGCAATGCAGACACCA-3'
Protein context (NP_006260.1, residues 1740-1760): LIDKGKWLLK[Glu1750Lys]NHLLRMSSEN